The following is an entry in ClinVar:

ClinVar aggregate classification (germline): Uncertain significance (1 of 4 stars; one submission).

Conditions:
Hereditary cancer-predisposing syndrome. Also called: Neoplastic Syndromes, Hereditary; Hereditary Cancer Syndrome; Hereditary neoplastic syndrome; Tumor predisposition. Identifiers: Orphanet 140162, MedGen C0027672, MeSH D009386, MONDO:0015356.

Submission:

Ambry Genetics
Classification: Uncertain significance for Hereditary cancer-predisposing syndrome. Last evaluated: 2023-05-14. Review status: criteria provided, single submitter. Criteria: Ambry Variant Classification Scheme 2023. Collection method: clinical testing. Allele origin: germline.
Comment: The p.D654N variant (also known as c.1960G>A), located in coding exon 17 of the MRE11A gene, results from a G to A substitution at nucleotide position 1960. The aspartic acid at codon 654 is replaced by asparagine, an amino acid with highly similar properties. This amino acid position is conserved. In addition, this alteration is predicted to be tolerated by in silico analysis. Since supporting evidence is limited at this time, the clinical significance of this alteration remains unclear.

NM_005591.4(MRE11):c.1960G>A (p.Asp654Asn)

Gene: MRE11 (MRE11 double strand break repair nuclease; minus strand). Cytogenetic location: 11q21.
Variant type: single nucleotide variant.
Coding change: c.1960G>A on transcript NM_005591.4 (MANE Select); coding-DNA position 1960, G replaced by A.
Protein change: p.Asp654Asn; replaces aspartic acid 654 with asparagine.
Molecular consequence: missense variant.
Genome position (GRCh38, 1-based): chr11:94,435,866, C>T on the plus strand (G>A on the coding strand, the complement: MRE11 is on the minus strand). VCF-style: chr11-94435866-C-T. GRCh37 (hg19) VCF-style: chr11-94169032-C-T.
Other names: c.1957G>A, p.Asp653Asn (NM_001330347.2); c.1876G>A, p.Asp626Asn (NM_005590.4); short protein forms D626N, D653N, D654N.
Identifiers: ClinVar variation 2565911 (VCV002565911.2), dbSNP rs1264567817, ClinGen allele CA382374088.